The following is an entry in ClinVar:

NM_000053.4(ATP7B):c.4124+5G>A

Gene: ATP7B (ATPase copper transporting beta; minus strand). Cytogenetic location: 13q14.3.
Variant type: single nucleotide variant.
Coding change: c.4124+5G>A on transcript NM_000053.4 (MANE Select); 5 bases into the intron after coding-DNA position 4124, G replaced by A.
Molecular consequence: intron variant.
Genome position (GRCh38, 1-based): chr13:51,935,588, C>T on the plus strand (G>A on the coding strand, the complement: ATP7B is on the minus strand). VCF-style: chr13-51935588-C-T. GRCh37 (hg19) VCF-style: chr13-52509724-C-T.
Other names: c.4124+5G>A (NM_000053.3); c.3791+5G>A (NM_001243182.2); c.3503+5G>A (NM_001005918.3); c.3872+5G>A (NM_001330579.2); c.3890+5G>A (NM_001330578.2).
Identifiers: ClinVar variation 1057848 (VCV001057848.10), dbSNP rs1321980462, ClinGen allele CA609962127.
Genomic context (GRCh38, chr13:51,935,588, plus strand): 5'-TAAGCATGCAGAATGACAAGGCCTCCTGGGAGCCTCCCACAGATGCTCCACCTGAGGGGA[C>T]TCACCACTTGAGCTGCAGGGATGAGAGCACCACAGACACAGAGGAGGCTGCCATGGCCGC-3'

ClinVar aggregate classification (germline): Likely pathogenic. Review status: criteria provided, multiple submitters, no conflicts (2 of 4 stars). 2 submissions from 2 submitters: Likely pathogenic (2). Last evaluated 2025-12-02.

Conditions:
Wilson disease (WND). Also called: Wilson's disease. Identifiers: Orphanet 905, MedGen C0019202, MONDO:0010200, OMIM 277900. Disease mechanism: loss of function.

Allele frequency attached by ClinVar (database versions not stated): TOPMed below 0.00001.
gnomAD v4.1: 1 of 1,612,676 alleles (0.000062%); no homozygotes.

Submissions (2):

Natera, Inc.
Classification: Likely pathogenic for Wilson disease. Last evaluated: 2025-12-02. Review status: criteria provided, single submitter. Criteria: Natera Variant Classification Schema (03/2026). Collection method: clinical testing. Allele origin: germline.
Comment: The c.4124+5G>A variant in ATP7B is an intronic variant located outside the canonical splice sites. This variant is rare in the general population with a frequency below the threshold expected for the associated phenotype(s). This variant has been observed in one or more individuals affected with the associated recessive disease, as either homozygous or compound heterozygous with a second variant (PMID: 32043565). Functional studies show that this variant may disrupt protein function (PMID: 32043565). Computational prediction algorithms indicate this variant is likely to affect gene or protein function. Given the available evidence, this variant is classified as Likely Pathogenic.

Labcorp Genetics (formerly Invitae), Labcorp
Classification: Likely pathogenic for Wilson disease. Last evaluated: 2024-12-16. Review status: criteria provided, single submitter. Criteria: Invitae Variant Classification Sherloc (09022015). Collection method: clinical testing. Allele origin: germline.
Comment: This sequence change falls in intron 20 of the ATP7B gene. It does not directly change the encoded amino acid sequence of the ATP7B protein. RNA analysis indicates that this variant induces altered splicing and may result in an absent or altered protein product. The frequency data for this variant in the population databases is considered unreliable, as metrics indicate poor data quality at this position in the gnomAD database. This variant has been observed in individual(s) with Wilson disease (PMID: 21219664, 32043565; internal data). ClinVar contains an entry for this variant (Variation ID: 1057848). Variants that disrupt the consensus splice site are a relatively common cause of aberrant splicing (PMID: 17576681, 9536098). Studies have shown that this variant results in skipping of exon 20, and produces a non-functional protein and/or introduces a premature termination codon (PMID: 32043565). In summary, the currently available evidence indicates that the variant is pathogenic, but additional data are needed to prove that conclusively. Therefore, this variant has been classified as Likely Pathogenic.

Literature cited by the submitters: PubMed 32043565 (cited by Natera, Inc. and Labcorp Genetics (formerly Invitae), Labcorp); PubMed 21219664 (cited by Labcorp Genetics (formerly Invitae), Labcorp); PubMed 17576681 (cited by Labcorp Genetics (formerly Invitae), Labcorp); PubMed 9536098 (cited by Labcorp Genetics (formerly Invitae), Labcorp).